The following is an entry in ClinVar:

NM_006493.4(CLN5):c.772del (p.Arg258fs)

Gene: CLN5 (CLN5 lysosomal BMP synthase; plus strand). Cytogenetic location: 13q22.3.
Variant type: Deletion.
Coding change: c.772del on transcript NM_006493.4 (MANE Select); coding-DNA position 772, one base deleted (A; older notation c.772delA).
Protein change: p.Arg258fs; shifts the reading frame from arginine 258.
Molecular consequence: frameshift variant. On other transcripts: 3 prime UTR variant (1).
Genome position (GRCh38, 1-based): chr13:77,000,664, A deleted; the last of 2 consecutive A bases (chr13:77,000,663-77,000,664); deleting either gives the same sequence. VCF-style (leftmost placement, unchanged base first): chr13-77000662-CA-C. GRCh37 (hg19) VCF-style: chr13-77574797-CA-C.
Other names: c.*221del (NM_001366624.2); c.919del (LRG_692t1, NM_006493.2); short protein forms R258fs.
Identifiers: ClinVar variation 56546 (VCV000056546.9), dbSNP rs386833982, ClinGen allele CA263917.

ClinVar aggregate classification (germline): Pathogenic/Likely pathogenic. Review status: criteria provided, multiple submitters, no conflicts (2 of 4 stars). 4 submissions from 4 submitters: Pathogenic (1); Likely pathogenic (2). 1 of the submissions does not count toward it. Last evaluated 2024-10-06.

Conditions:
Neuronal ceroid lipofuscinosis. Also called: Neuronal Ceroid Lipofuscinoses. Identifiers: Orphanet 216, Orphanet 79263, MedGen C0027877, MONDO:0016295. Disease mechanism: loss of function.
Neuronal ceroid lipofuscinosis 5 (CLN5). Also called: CEROID LIPOFUSCINOSIS, NEURONAL, 5, VARIABLE AGE AT ONSET; Neuronal ceroid lipofuscinosis Finnish variant; NEURONAL CEROID LIPOFUSCINOSIS, LATE INFANTILE, FINNISH VARIANT; CLN5-Related Neuronal Ceroid-Lipofuscinosis. Identifiers: Orphanet 168491, Orphanet 228360, MedGen C1850442, MONDO:0009745, OMIM 256731.

Submissions (4):

Natera, Inc.
Classification: Likely pathogenic for Neuronal ceroid lipofuscinosis. Last evaluated: 2024-10-06. Review status: criteria provided, single submitter. Criteria: Natera Variant Classification Schema (03/2026). Collection method: clinical testing. Allele origin: germline.
Comment: The c.919del variant in CLN5 is a frameshift variant predicted to shift the reading frame beginning at codon 307 and leads to a stop codon 29 codons downstream. This variant is expected to result in nonsense mediated decay, truncation, or a dysfunctional protein product. This variant is rare in the general population with a frequency below the threshold expected for the associated phenotype(s). Given the available evidence, this variant is classified as Likely Pathogenic.

Baylor Genetics
Classification: Likely pathogenic for Neuronal ceroid lipofuscinosis 5. Last evaluated: 2024-03-05. Review status: criteria provided, single submitter. Criteria: ACMG Guidelines, 2015. Collection method: clinical testing. Allele origin: unknown.

Labcorp Genetics (formerly Invitae), Labcorp
Classification: Pathogenic for Neuronal ceroid lipofuscinosis. Last evaluated: 2024-02-17. Review status: criteria provided, single submitter. Criteria: Invitae Variant Classification Sherloc (09022015). Collection method: clinical testing. Allele origin: germline.
Comment: This sequence change creates a premature translational stop signal (p.Arg307Glufs*29) in the CLN5 gene. While this is not anticipated to result in nonsense mediated decay, it is expected to disrupt the last 101 amino acid(s) of the CLN5 protein. This variant is not present in population databases (gnomAD no frequency). This premature translational stop signal has been observed in individual(s) with neuronal ceroid lipofuscinosis type 5 (PMID: 20157158). ClinVar contains an entry for this variant (Variation ID: 56546). This variant disrupts a region of the CLN5 protein in which other variant(s) (p.Tyr392*) have been determined to be pathogenic (PMID: 9662406; Invitae). This suggests that this is a clinically significant region of the protein, and that variants that disrupt it are likely to be disease-causing. For these reasons, this variant has been classified as Pathogenic.

Juha Muilu Group; Institute for Molecular Medicine Finland (FIMM)
Classification: Likely pathogenic for Ceroid lipofuscinosis neuronal 5. Review status: no assertion criteria provided. Collection method: not provided. Allele origin: unknown. Not counted in ClinVar's aggregate classification.
Comment: FinDis database variant: This variant was not found or characterized by our laboratory, data were collected from public sources: see reference
ClinVar note: Converted during submission from probable-pathogenic to Likely pathogenic.

Literature cited by the submitters: PubMed 20157158 (cited by Labcorp Genetics (formerly Invitae), Labcorp); PubMed 9662406 (cited by Labcorp Genetics (formerly Invitae), Labcorp).